The following is an entry in ClinVar:

ClinVar aggregate classification (germline): Uncertain significance (1 of 4 stars; one submission).

Allele frequency attached by ClinVar (database versions not stated): gnomAD exomes 0.00001; TOPMed below 0.00001; gnomAD 0.00002.
gnomAD v4.1: 10 of 1,210,370 alleles (0.00083%); highest among the groups gnomAD compares: Non-Finnish European, 0.00045%; no homozygotes.

Submission:

Labcorp Genetics (formerly Invitae), Labcorp
Classification: Uncertain significance. Last evaluated: 2025-08-23. Review status: criteria provided, single submitter. Criteria: Invitae Variant Classification Sherloc (09022015). Collection method: clinical testing. Allele origin: germline.
Comment: This sequence change replaces leucine, which is neutral and non-polar, with phenylalanine, which is neutral and non-polar, at codon 557 of the TLR7 protein (p.Leu557Phe). This variant is present in population databases (no rsID available, gnomAD 0.04%). This variant has not been reported in the literature in individuals affected with TLR7-related conditions. ClinVar contains an entry for this variant (Variation ID: 2871830). An algorithm developed to predict the effect of missense changes on protein structure and function (PolyPhen-2) suggests that this variant is likely to be disruptive. Experimental studies are conflicting or provide insufficient evidence to determine the effect of this variant on TLR7 function (PMID: 34413140). In summary, the available evidence is currently insufficient to determine the role of this variant in disease. Therefore, it has been classified as a Variant of Uncertain Significance.

Literature cited by the submitters: PubMed 34413140.

NM_016562.4(TLR7):c.1669C>T (p.Leu557Phe)

Gene: TLR7 (toll like receptor 7; plus strand). Cytogenetic location: Xp22.2.
Variant type: single nucleotide variant.
Coding change: c.1669C>T on transcript NM_016562.4 (MANE Select); coding-DNA position 1669, C replaced by T.
Protein change: p.Leu557Phe; replaces leucine 557 with phenylalanine.
Molecular consequence: missense variant.
Genome position (GRCh38, 1-based): chrX:12,887,177, C>T. VCF-style: chrX-12887177-C-T. GRCh37 (hg19) VCF-style: chrX-12905296-C-T.
Other names: short protein forms L557F.
Identifiers: ClinVar variation 2871830 (VCV002871830.3), dbSNP rs1419393304, ClinGen allele CA412408188.
Genomic context (GRCh38, chrX:12,887,177, plus strand): 5'-GAATTCCAACCTTTAGCAGAGCTGAGATATTTGGACTTCTCCAACAACCGGCTTGATTTA[C>T]TCCATTCAACAGCATTTGAAGAGCTTCACAAACTGGAAGTTCTGGATATAAGCAGTAATA-3'
Protein context (NP_057646.1, residues 547-567): LDFSNNRLDL[Leu557Phe]HSTAFEELHK